The following is an entry in ClinVar:

ClinVar aggregate classification (germline): Uncertain significance. Review status: criteria provided, multiple submitters, no conflicts (2 of 4 stars). 2 submissions from 2 submitters: Uncertain significance (2). Last evaluated 2025-05-26.

Allele frequency attached by ClinVar (database versions not stated): gnomAD exomes 0.00002 and 0.00004; gnomAD 0.00003; ESP Exome Variant Server 0.00008; TOPMed 0.00004; ExAC 0.00002.
gnomAD v4.1: 40 of 1,614,082 alleles (0.0025%); highest among the groups gnomAD compares: Non-Finnish European, 0.0031%; no homozygotes.

Submissions (2):

Ambry Genetics
Classification: Uncertain significance. Last evaluated: 2025-05-26. Review status: criteria provided, single submitter. Criteria: Ambry Variant Classification Scheme 2023. Collection method: clinical testing. Allele origin: germline.

Labcorp Genetics (formerly Invitae), Labcorp
Classification: Uncertain significance. Last evaluated: 2022-10-05. Review status: criteria provided, single submitter. Criteria: Invitae Variant Classification Sherloc (09022015). Collection method: clinical testing. Allele origin: germline.
Comment: In summary, the available evidence is currently insufficient to determine the role of this variant in disease. Therefore, it has been classified as a Variant of Uncertain Significance. Algorithms developed to predict the effect of missense changes on protein structure and function (SIFT, PolyPhen-2, Align-GVGD) all suggest that this variant is likely to be tolerated. ClinVar contains an entry for this variant (Variation ID: 1443207). This variant has not been reported in the literature in individuals affected with NUP62-related conditions. This variant is present in population databases (rs144128222, gnomAD 0.007%). This sequence change replaces threonine, which is neutral and polar, with isoleucine, which is neutral and non-polar, at codon 102 of the NUP62 protein (p.Thr102Ile).

NM_016553.5(NUP62):c.305C>T (p.Thr102Ile)

Genes: IL4I1 (interleukin 4 induced 1; minus strand), NUP62 (nucleoporin 62; minus strand). Cytogenetic location: 19q13.33.
Variant type: single nucleotide variant.
Coding change: c.305C>T on transcript NM_016553.5 (MANE Select); coding-DNA position 305, C replaced by T.
Protein change: p.Thr102Ile; replaces threonine 102 with isoleucine.
Molecular consequence: missense variant. On other transcripts: intron variant (3).
Genome position (GRCh38, 1-based): chr19:49,909,503, G>A on the plus strand (C>T on the coding strand, the complement: NUP62 is on the minus strand). VCF-style: chr19-49909503-G-A. GRCh37 (hg19) VCF-style: chr19-50412760-G-A.
Other names: c.305C>T, p.Thr102Ile (NM_001193357.2, NM_012346.5, NM_153718.4 and 1 more transcripts); c.-227-5182C>T (NM_001258017.2, NM_172374.3); c.-285-5182C>T (NM_001258018.2); short protein forms T102I.
Identifiers: ClinVar variation 1443207 (VCV001443207.7), dbSNP rs144128222, ClinGen allele CA9589163.